The following is an entry in ClinVar:

NM_014915.3(ANKRD26):c.278C>T (p.Pro93Leu)

Gene: ANKRD26 (ankyrin repeat domain 26; minus strand). Cytogenetic location: 10p12.1.
Variant type: single nucleotide variant.
Coding change: c.278C>T on transcript NM_014915.3 (MANE Select); coding-DNA position 278, C replaced by T.
Protein change: p.Pro93Leu; replaces proline 93 with leucine.
Molecular consequence: missense variant.
Genome position (GRCh38, 1-based): chr10:27,093,764, G>A on the plus strand (C>T on the coding strand, the complement: ANKRD26 is on the minus strand). VCF-style: chr10-27093764-G-A. GRCh37 (hg19) VCF-style: chr10-27382693-G-A.
Other names: c.278C>T, p.Pro93Leu (NM_001256053.2); short protein forms P93L.
Identifiers: ClinVar variation 5022881 (VCV005022881.1).

ClinVar aggregate classification (germline): Uncertain significance (1 of 4 stars; one submission).

Conditions:
Inborn genetic diseases. Identifiers: MedGen C0950123, MeSH D030342.

Submission:

Ambry Genetics
Classification: Uncertain significance for Inborn genetic diseases. Last evaluated: 2026-06-24. Review status: criteria provided, single submitter. Criteria: Ambry Variant Classification Scheme 2023. Collection method: clinical testing. Allele origin: germline.
Comment: The p.P93L variant (also known as c.278C>T), located in coding exon 2 of the ANKRD26 gene, results from a C to T substitution at nucleotide position 278. The proline at codon 93 is replaced by leucine, an amino acid with similar properties. This amino acid position is conserved. In addition, this alteration is predicted to be tolerated by in silico analysis. Based on the available evidence, the clinical significance of this variant remains unclear.